The following is an entry in ClinVar:

NC_000019.9:g.(?_16593241)_(16606940_?)dup

Gene: CALR3 (calreticulin 3; minus strand). Cytogenetic location: 19p13.11.
Variant type: Duplication.
Identifiers: ClinVar variation 1412761 (VCV001412761.6).

ClinVar aggregate classification (germline): Uncertain significance (1 of 4 stars; one submission).

Conditions:
Hypertrophic cardiomyopathy 19. Also called: Familial hypertrophic cardiomyopathy 19. Identifiers: MedGen CN077603, MONDO:0013476.

Submission:

Labcorp Genetics (formerly Invitae), Labcorp
Classification: Uncertain significance for Hypertrophic cardiomyopathy 19. Last evaluated: 2022-07-02. Review status: criteria provided, single submitter. Criteria: Invitae Variant Classification Sherloc (09022015). Collection method: clinical testing. Allele origin: germline.
Comment: In summary, the available evidence is currently insufficient to determine the role of this variant in disease. Therefore, it has been classified as a Variant of Uncertain Significance. Experimental studies and prediction algorithms are not available or were not evaluated, and the functional significance of this variant is currently unknown. This variant has not been reported in the literature in individuals affected with CALR3-related conditions. This variant results in a copy number gain of the genomic region encompassing exon(s) 1-7 of the CALR3 gene. This region includes the initiator codon of the gene. This copy number gain extends beyond the assayed region for this gene and therefore may encompass additional genes. As the precise location of this event is unknown, it may be in tandem or it may be located elsewhere in the genome.